The following is an entry in ClinVar:

ClinVar aggregate classification (germline): Likely benign. Review status: criteria provided, multiple submitters, no conflicts (2 of 4 stars). 2 submissions from 2 submitters: Likely benign (2). Last evaluated 2025-09-21.

Allele frequency attached by ClinVar (database versions not stated): gnomAD 0.00001; TOPMed 0.00001; gnomAD exomes 0.00002; ExAC 0.00003; ESP Exome Variant Server 0.00008.
gnomAD v4.1: 35 of 1,612,950 alleles (0.0022%); highest among the groups gnomAD compares: Middle Eastern, 0.016%; no homozygotes.

Submissions (2):

Labcorp Genetics (formerly Invitae), Labcorp
Classification: Likely benign. Last evaluated: 2025-09-21. Review status: criteria provided, single submitter. Criteria: Invitae Variant Classification Sherloc (09022015). Collection method: clinical testing. Allele origin: germline.

CeGaT Center for Human Genetics Tuebingen
Classification: Likely benign. Last evaluated: 2024-01-01. Review status: criteria provided, single submitter. Criteria: CeGaT Center For Human Genetics Tuebingen Variant Classification Criteria Version 2. Collection method: clinical testing. Allele origin: germline. Affected: yes. Observed: 1 variant allele.
Comment: NOTCH3: BP4

NM_000435.3(NOTCH3):c.592G>A (p.Ala198Thr)

Gene: NOTCH3 (notch receptor 3; minus strand). Cytogenetic location: 19p13.12.
Variant type: single nucleotide variant.
Coding change: c.592G>A on transcript NM_000435.3 (MANE Select); coding-DNA position 592, G replaced by A.
Protein change: p.Ala198Thr; replaces alanine 198 with threonine.
Molecular consequence: missense variant.
Genome position (GRCh38, 1-based): chr19:15,192,047, C>T on the plus strand (G>A on the coding strand, the complement: NOTCH3 is on the minus strand). VCF-style: chr19-15192047-C-T. GRCh37 (hg19) VCF-style: chr19-15302858-C-T.
Other names: short protein forms A198T.
Identifiers: ClinVar variation 3025374 (VCV003025374.23), dbSNP rs375682932, ClinGen allele CA9263858.